The following is an entry in ClinVar:

ClinVar aggregate classification (germline): Uncertain significance (1 of 4 stars; one submission).

Conditions:
BDNF-related disorder. Also called: BDNF-related condition.

gnomAD v4.1: 8 of 1,614,004 alleles (0.0005%); highest among the groups gnomAD compares: Non-Finnish European, 0.00068%; no homozygotes.

Submission:

PreventionGenetics, part of Exact Sciences
Classification: Uncertain significance for BDNF-related condition. Last evaluated: 2026-04-04. Review status: criteria provided, single submitter. Criteria: ACMG Guidelines, 2015. Collection method: clinical testing. Allele origin: germline.
Comment: The BDNF c.24+2T>G variant is predicted to disrupt the GT donor site and interfere with normal splicing. To our knowledge, this variant has not been reported in the literature or in a large population database (gnomAD), indicating this variant is rare. At this time, the clinical significance of this variant is uncertain due to the absence of conclusive functional and genetic evidence.

NM_001709.5(BDNF):c.-22+784T>G

Gene: BDNF (brain derived neurotrophic factor; minus strand). Cytogenetic location: 11p14.1.
Variant type: single nucleotide variant.
Coding change: c.-22+784T>G on transcript NM_001709.5 (MANE Select); 784 bases into the intron after 22 bases upstream of the start codon, T replaced by G.
Molecular consequence: intron variant. On other transcripts: splice donor variant (1).
Genome position (GRCh38, 1-based): chr11:27,699,380, A>C on the plus strand (T>G on the coding strand, the complement: BDNF is on the minus strand). VCF-style: chr11-27699380-A-C. GRCh37 (hg19) VCF-style: chr11-27720927-A-C.
Other names: c.3+22032T>G (NM_170731.5); c.-22+21264T>G (NM_001143805.1); c.-22+21049T>G (NM_001143806.1); c.-22+20966T>G (NM_170732.4); c.-22+20131T>G (NM_001143807.2); c.-22+1917T>G (NM_170733.4); c.-22+1601T>G (NM_001143808.2); c.66+1591T>G (NM_001143809.2); and 6 more.
Identifiers: ClinVar variation 4984438 (VCV004984438.1).